The following is an entry in ClinVar:

NM_001197104.2(KMT2A):c.3635-6C>G

Gene: KMT2A (lysine methyltransferase 2A; plus strand). Cytogenetic location: 11q23.3.
Variant type: single nucleotide variant.
Coding change: c.3635-6C>G on transcript NM_001197104.2 (MANE Select); 6 bases into the intron before coding-DNA position 3635, C replaced by G.
Molecular consequence: intron variant.
Genome position (GRCh38, 1-based): chr11:118,481,709, C>G. VCF-style: chr11-118481709-C-G. GRCh37 (hg19) VCF-style: chr11-118352424-C-G.
Other names: c.3734-6C>G (NM_001412597.1); c.3635-6C>G (NM_005933.4).
Identifiers: ClinVar variation 2987568 (VCV002987568.3), dbSNP rs1429605185, ClinGen allele CA602153283.

ClinVar aggregate classification (germline): Uncertain significance (1 of 4 stars; one submission).

Allele frequency attached by ClinVar (database versions not stated): gnomAD exomes 0.00001.
gnomAD v4.1: 11 of 1,602,870 alleles (0.00069%); highest among the groups gnomAD compares: Non-Finnish European, 0.00094%; no homozygotes.

Submission:

Labcorp Genetics (formerly Invitae), Labcorp
Classification: Uncertain significance. Last evaluated: 2023-04-11. Review status: criteria provided, single submitter. Criteria: Invitae Variant Classification Sherloc (09022015). Collection method: clinical testing. Allele origin: germline.
Comment: In summary, the available evidence is currently insufficient to determine the role of this variant in disease. Therefore, it has been classified as a Variant of Uncertain Significance. Algorithms developed to predict the effect of sequence changes on RNA splicing suggest that this variant may create or strengthen a splice site. This variant has not been reported in the literature in individuals affected with KMT2A-related conditions. This variant is present in population databases (no rsID available, gnomAD 0.0009%). This sequence change falls in intron 6 of the KMT2A gene. It does not directly change the encoded amino acid sequence of the KMT2A protein.